The following is an entry in ClinVar:

ClinVar aggregate classification (germline): Pathogenic (1 of 4 stars; one submission).

Conditions:
Exostoses, multiple, type 1 (EXT1). Also called: EXOSTOSES, MULTIPLE, TYPE I; Hereditary Multiple Osteochondromatosis, Type I. Identifiers: MedGen CN263289, MONDO:0007585, OMIM 133700.

Submission:

Clinical Biomedical Laboratory, Shriners Hospital For Children - Canada
Classification: Pathogenic for Exostoses, multiple, type 1. Review status: criteria provided, single submitter. Criteria: ACMG Guidelines, 2015. Collection method: clinical testing. Allele origin: germline. Affected: yes.
Comment: This variant is predicted to delete 5 nucleotides in the coding region of EXT1, which introduces a frameshift and leads to a premature stop codon 17 amino acids downstream. This is expected to lead to degradation of the affected transcript and loss of function. Heterozygous loss of function variants in EXT1 are associated with multiple exostoses type 1, which corresponds to the clinical diagnosis of the proband. In the Genome Aggregation Database (gnomAD v2.1.1) this variant is absent, indicating it is very rare. Based on the ACMG variant interpretation guidelines (criteria: PVS1, PM2, PP4), this is a pathogenic variant.

NM_000127.3(EXT1):c.1641_1645del (p.Ser547fs)

Gene: EXT1 (exostosin glycosyltransferase 1; minus strand). Cytogenetic location: 8q24.11.
Variant type: Deletion.
Coding change: c.1641_1645del on transcript NM_000127.3 (MANE Select); coding-DNA positions 1641 to 1645, 5 bases deleted (CAGCC; older notation c.1641_1645delCAGCC).
Protein change: p.Ser547fs; shifts the reading frame from serine 547.
Molecular consequence: frameshift variant.
Genome position (GRCh38, 1-based): chr8:117,812,949-117,812,953, GGCTG deleted on the plus strand (CAGCC on the coding strand, the reverse complement: EXT1 is on the minus strand). VCF-style (leftmost placement, unchanged base first): chr8-117812948-CGGCTG-C. GRCh37 (hg19) VCF-style: chr8-118825187-CGGCTG-C.
Other names: short protein forms S547fs.
Identifiers: ClinVar variation 4819327 (VCV004819327.1).